The following is an entry in ClinVar:

NM_000026.4(ADSL):c.735A>T (p.Arg245=)

Gene: ADSL (adenylosuccinate lyase; plus strand). Cytogenetic location: 22q13.1.
Variant type: single nucleotide variant.
Coding change: c.735A>T on transcript NM_000026.4 (MANE Select); coding-DNA position 735, A replaced by T.
Protein change: p.Arg245=; no amino-acid change (arginine 245 retained).
Molecular consequence: synonymous variant. On other transcripts: non-coding transcript variant (1).
Genome position (GRCh38, 1-based): chr22:40,360,435, A>T. VCF-style: chr22-40360435-A-T. GRCh37 (hg19) VCF-style: chr22-40756439-A-T.
Other names: p.R245R:CGA>CGT; c.735A>T, p.Arg245= (NM_001123378.3, NM_001363840.3); c.543A>T, p.Arg181= (NM_001317923.2).
Identifiers: ClinVar variation 92306 (VCV000092306.23), dbSNP rs143977255, ClinGen allele CA220244.
Genomic context (GRCh38, chr22:40,360,435, plus strand): 5'-CTAAGTCTCTCTTGTACTTATTCCTAGAGCTTTCATCATCACAGGGCAGACATATACACG[A>T]AAAGTGGATATTGAAGTACTGTCTGTGCTGGCTAGCTTGGGGGCATCAGTGCACAAGGTG-3'
Protein context (NP_000017.1, residues 235-255): AFIITGQTYT[Arg245=]KVDIEVLSVL

ClinVar aggregate classification (germline): Conflicting classifications of pathogenicity. Review status: criteria provided, conflicting classifications (1 of 4 stars). 5 submissions from 5 submitters: Uncertain significance (1); Benign (1); Likely benign (3). Last evaluated 2025-12-26.

Conditions:
Adenylosuccinate lyase deficiency (ADSLD). Also called: ADSL DEFICIENCY. Identifiers: Orphanet 46, MedGen C0268126, MONDO:0007068, OMIM 103050.

Allele frequency attached by ClinVar (database versions not stated): ESP Exome Variant Server 0.00008; ExAC 0.00010; gnomAD 0.00013; gnomAD exomes 0.00014 and 0.00015; TOPMed 0.00022.
gnomAD v4.1: 253 of 1,613,848 alleles (0.016%); highest among the groups gnomAD compares: Admixed American, 0.053%; 1 homozygote.

Submissions (5):

Labcorp Genetics (formerly Invitae), Labcorp
Classification: Likely benign for Adenylosuccinate lyase deficiency. Last evaluated: 2025-12-26. Review status: criteria provided, single submitter. Criteria: Invitae Variant Classification Sherloc (09022015). Collection method: clinical testing. Allele origin: germline.

CeGaT Center for Human Genetics Tuebingen
Classification: Likely benign. Last evaluated: 2025-03-01. Review status: criteria provided, single submitter. Criteria: CeGaT Center For Human Genetics Tuebingen Variant Classification Criteria Version 2. Collection method: clinical testing. Allele origin: germline. Affected: yes. Observed: 1 variant allele.
Comment: ADSL: BP4, BP7

Blueprint Genetics
Classification: Likely benign. Last evaluated: 2024-09-09. Review status: criteria provided, single submitter. Criteria: ACMG Guidelines, 2015. Collection method: clinical testing. Allele origin: germline.

GeneDx
Classification: Benign. Last evaluated: 2014-04-04. Review status: criteria provided, single submitter. Criteria: GeneDx Variant Classification (06012015). Collection method: clinical testing. Allele origin: germline. Affected: yes.
Comment: This variant is considered likely benign or benign based on one or more of the following criteria: it is a conservative change, it occurs at a poorly conserved position in the protein, it is predicted to be benign by multiple in silico algorithms, and/or has population frequency not consistent with disease.

Eurofins Ntd Llc (ga)
Classification: Uncertain significance. Last evaluated: 2013-09-27. Review status: criteria provided, single submitter. Criteria: EGL Classification Definitions 2015. Collection method: clinical testing. Allele origin: germline. Observed: 1 variant allele, 1 heterozygote.